The following is an entry in ClinVar:

ClinVar aggregate classification (germline): Conflicting classifications of pathogenicity. Review status: criteria provided, conflicting classifications (1 of 4 stars). 2 submissions from 2 submitters: Uncertain significance (1); Benign (1). Last evaluated 2025-07-03.

Conditions:
Heterotopia, periventricular, X-linked dominant (PVNH1). Also called: PERIVENTRICULAR NODULAR HETEROTOPIA 4; HETEROTOPIA, PERIVENTRICULAR, 1; PERIVENTRICULAR NODULAR HETEROTOPIA 1; X-linked periventricular heterotopia. Identifiers: Orphanet 2149, Orphanet 82004, MedGen C1848213, MONDO:0010233, OMIM 300049.
Melnick-Needles syndrome (MNS). Also called: Melnick-Needles Syndrome (FLNA-MNS); MELNICK-NEEDLES OSTEODYSPLASTY; OSTEODYSPLASTY OF MELNICK AND NEEDLES. Identifiers: Orphanet 2484, MedGen C0025237, MONDO:0010650, OMIM 309350.
Frontometaphyseal dysplasia (FMD1). Identifiers: Orphanet 1826, MedGen C0265293, MONDO:0015942.
Oto-palato-digital syndrome, type II (OPD2). Also called: Otopalatodigital Syndrome Type 2 (FLNA-OPD2); FACIOPALATOOSSEOUS SYNDROME; OPD II SYNDROME; Otopalatodigital Syndrome, Type II. Identifiers: Orphanet 669, Orphanet 90652, MedGen C1844696, MONDO:0010571, OMIM 304120.

Allele frequency attached by ClinVar (database versions not stated): ExAC 0.00001; gnomAD 0.00001; gnomAD exomes 0.00001; TOPMed below 0.00001.

Submissions (2):

Labcorp Genetics (formerly Invitae), Labcorp
Classification: Benign for Oto-palato-digital syndrome, type II; Heterotopia, periventricular, X-linked dominant; Frontometaphyseal dysplasia; Melnick-Needles syndrome. Last evaluated: 2025-07-03. Review status: criteria provided, single submitter. Criteria: Invitae Variant Classification Sherloc (09022015). Collection method: clinical testing. Allele origin: germline.

GeneDx
Classification: Uncertain significance. Last evaluated: 2022-12-23. Review status: criteria provided, single submitter. Criteria: GeneDx Variant Classification Process June 2021. Collection method: clinical testing. Allele origin: germline. Affected: yes.
Comment: In silico analysis supports that this missense variant has a deleterious effect on protein structure/function; Has not been previously published as pathogenic or benign to our knowledge

NM_001110556.2(FLNA):c.1384G>A (p.Gly462Ser)

Gene: FLNA (filamin A; minus strand). Cytogenetic location: Xq28.
Variant type: single nucleotide variant.
Coding change: c.1384G>A on transcript NM_001110556.2 (MANE Select); coding-DNA position 1384, G replaced by A.
Protein change: p.Gly462Ser; replaces glycine 462 with serine.
Molecular consequence: missense variant.
Genome position (GRCh38, 1-based): chrX:154,366,069, C>T on the plus strand (G>A on the coding strand, the complement: FLNA is on the minus strand). VCF-style: chrX-154366069-C-T. GRCh37 (hg19) VCF-style: chrX-153594437-C-T.
Other names: c.1384G>A, p.Gly462Ser (NM_001456.4); short protein forms G462S.
Identifiers: ClinVar variation 1806817 (VCV001806817.2), dbSNP rs782063907, ClinGen allele CA10561195.